The following is an entry in ClinVar:

NM_177986.5(DSG4):c.678C>T (p.Asp226=)

Genes: DSG1-AS1 (DSG1 antisense RNA 1; minus strand), DSG4 (desmoglein 4; plus strand). Cytogenetic location: 18q12.1.
Variant type: single nucleotide variant.
Coding change: c.678C>T on transcript NM_177986.5 (MANE Select); coding-DNA position 678, C replaced by T.
Protein change: p.Asp226=; no amino-acid change (aspartic acid 226 retained).
Molecular consequence: synonymous variant.
Genome position (GRCh38, 1-based): chr18:31,390,816, C>T. VCF-style: chr18-31390816-C-T. GRCh37 (hg19) VCF-style: chr18-28970779-C-T.
Other names: c.678C>T, p.Asp226= (NM_001134453.3).
Identifiers: ClinVar variation 3045681 (VCV003045681.2), dbSNP rs149615937, ClinGen allele CA8926782.

ClinVar aggregate classification (germline): Likely benign (0 of 4 stars; one submission).

Conditions:
DSG4-related disorder. Also called: DSG4-related condition.

Allele frequency attached by ClinVar (database versions not stated): gnomAD exomes 0.00002; ExAC 0.00010; 1000 Genomes Project 30x 0.00016; 1000 Genomes Project 0.00020; TOPMed 0.00021; gnomAD 0.00030; ESP Exome Variant Server 0.00031.
gnomAD v4.1: 77 of 1,613,314 alleles (0.0048%); highest among the groups gnomAD compares: African/African-American, 0.1%; no homozygotes.

Submission:

PreventionGenetics, part of Exact Sciences
Classification: Likely benign for DSG4-related condition. Last evaluated: 2019-11-14. Review status: no assertion criteria provided. Collection method: clinical testing. Allele origin: germline.
Comment: This variant is classified as likely benign based on ACMG/AMP sequence variant interpretation guidelines (Richards et al. 2015 PMID: 25741868, with internal and published modifications).